The following is an entry in ClinVar:

ClinVar aggregate classification (germline): Uncertain significance (1 of 4 stars; one submission).

gnomAD v4.1: 10 of 1,613,444 alleles (0.00062%); highest among the groups gnomAD compares: Middle Eastern, 0.016%; no homozygotes.

Submission:

Labcorp Genetics (formerly Invitae), Labcorp
Classification: Uncertain significance. Last evaluated: 2025-10-06. Review status: criteria provided, single submitter. Criteria: Invitae Variant Classification Sherloc (09022015). Collection method: clinical testing. Allele origin: germline.
Comment: This sequence change replaces threonine, which is neutral and polar, with serine, which is neutral and polar, at codon 433 of the RFX6 protein (p.Thr433Ser). This variant is present in population databases (rs752364184, gnomAD 0.0009%). This variant has not been reported in the literature in individuals affected with RFX6-related conditions. Invitae Evidence Modeling of protein sequence and biophysical properties (such as structural, functional, and spatial information, amino acid conservation, physicochemical variation, residue mobility, and thermodynamic stability) indicates that this missense variant is not expected to disrupt RFX6 protein function with a negative predictive value of 80%. In summary, the available evidence is currently insufficient to determine the role of this variant in disease. Therefore, it has been classified as a Variant of Uncertain Significance.

NM_173560.4(RFX6):c.1297A>T (p.Thr433Ser)

Gene: RFX6 (regulatory factor X6; plus strand). Cytogenetic location: 6q22.1.
Variant type: single nucleotide variant.
Coding change: c.1297A>T on transcript NM_173560.4 (MANE Select); coding-DNA position 1297, A replaced by T.
Protein change: p.Thr433Ser; replaces threonine 433 with serine.
Molecular consequence: missense variant.
Genome position (GRCh38, 1-based): chr6:116,920,424, A>T. VCF-style: chr6-116920424-A-T. GRCh37 (hg19) VCF-style: chr6-117241587-A-T.
Other names: short protein forms T433S.
Identifiers: ClinVar variation 4767040 (VCV004767040.1).
Genomic context (GRCh38, chr6:116,920,424, plus strand): 5'-ATTGAAAGGGTTGATTTGAACAGCATTGGCTCTCAAGCCCTTCTTACCATTTCAGGCAGC[A>T]CAGACACTGAATCTGGTATCTACACTGAACGTAAGTCCATTCTCTTTGTTTAGAACAAGG-3'
Protein context (NP_775831.2, residues 423-443): SQALLTISGS[Thr433Ser]DTESGIYTEH